The following is an entry in ClinVar:

NM_001278064.2(GRM1):c.2661-7309A>T

Gene: GRM1 (glutamate metabotropic receptor 1; plus strand). Cytogenetic location: 6q24.3.
Variant type: single nucleotide variant.
Coding change: c.2661-7309A>T on transcript NM_001278064.2 (MANE Select); 7309 bases into the intron before coding-DNA position 2661, A replaced by T.
Molecular consequence: intron variant. On other transcripts: missense variant (2).
Genome position (GRCh38, 1-based): chr6:146,426,563, A>T. VCF-style: chr6-146426563-A-T. GRCh37 (hg19) VCF-style: chr6-146747699-A-T.
Other names: NM_001114329.1:c.2665A>T; c.2665A>T, p.Arg889Trp (NM_001278065.2, NM_001278066.1); c.2661-7344A>T (NM_001278067.1); short protein forms R889W.
Identifiers: ClinVar variation 447461 (VCV000447461.6), dbSNP rs768023437, ClinGen allele CA4037503.

ClinVar aggregate classification (germline): Uncertain significance. Review status: criteria provided, multiple submitters, no conflicts (2 of 4 stars). 2 submissions from 2 submitters: Uncertain significance (2). Last evaluated 2023-11-14.

Conditions:
Inborn genetic diseases. Identifiers: MedGen C0950123, MeSH D030342.

Allele frequency attached by ClinVar (database versions not stated): gnomAD exomes 0.00002; ExAC 0.00003; TOPMed 0.00002; gnomAD 0.00003.
gnomAD v4.1: 19 of 1,612,232 alleles (0.0012%); highest among the groups gnomAD compares: Non-Finnish European, 0.0016%; no homozygotes.

Submissions (2):

Athena Diagnostics
Classification: Uncertain significance. Last evaluated: 2023-11-14. Review status: criteria provided, single submitter. Criteria: Athena Diagnostics Criteria. Collection method: clinical testing. Allele origin: unknown.
Comment: Available data are insufficient to determine the clinical significance of the variant at this time. The frequency of this variant in the general population is uninformative in assessment of its pathogenicity. Computational tools disagree on the variant's effect on normal protein function.

Ambry Genetics
Classification: Uncertain significance for Inborn genetic diseases. Last evaluated: 2021-11-25. Review status: criteria provided, single submitter. Criteria: Ambry Variant Classification Scheme 2023. Collection method: clinical testing. Allele origin: germline.